The following is an entry in ClinVar:

NM_004082.5(DCTN1):c.3799G>C (p.Glu1267Gln)

Gene: DCTN1 (dynactin subunit 1; minus strand). Cytogenetic location: 2p13.1.
Variant type: single nucleotide variant.
Coding change: c.3799G>C on transcript NM_004082.5 (MANE Select); coding-DNA position 3799, G replaced by C.
Protein change: p.Glu1267Gln; replaces glutamic acid 1267 with glutamine.
Molecular consequence: missense variant. On other transcripts: non-coding transcript variant (1).
Genome position (GRCh38, 1-based): chr2:74,361,537, C>G on the plus strand (G>C on the coding strand, the complement: DCTN1 is on the minus strand). VCF-style: chr2-74361537-C-G. GRCh37 (hg19) VCF-style: chr2-74588664-C-G.
Other names: c.3724G>C, p.Glu1242Gln (NM_001135040.3); c.3382G>C, p.Glu1128Gln (NM_001135041.3); c.3673G>C, p.Glu1225Gln (NM_001190836.2); c.3778G>C, p.Glu1260Gln (NM_001190837.2); c.3748G>C, p.Glu1250Gln (NM_001378991.1); c.3730G>C, p.Glu1244Gln (NM_001378992.1); c.3397G>C, p.Glu1133Gln (NM_023019.4); short protein forms E1260Q, E1128Q, E1242Q, E1133Q, E1225Q, E1267Q, E1244Q, E1250Q.
Identifiers: ClinVar variation 897272 (VCV000897272.28), dbSNP rs146083590, ClinGen allele CA1721345.

ClinVar aggregate classification (germline): Conflicting classifications of pathogenicity. Review status: criteria provided, conflicting classifications (1 of 4 stars). 7 submissions from 6 submitters: Uncertain significance (1); Benign (2); Likely benign (3). 1 of the submissions does not count toward it. Last evaluated 2025-04-14.

Conditions:
DCTN1-related disorder. Also called: DCTN1-related condition.
Inborn genetic diseases. Identifiers: MedGen C0950123, MeSH D030342.
Amyotrophic lateral sclerosis type 1 (ALS1). Also called: AMYOTROPHIC LATERAL SCLEROSIS 1, FAMILIAL. Identifiers: Orphanet 803, MedGen C1862939, MONDO:0007103, OMIM 105400.
Perry syndrome. Also called: PARKINSONISM WITH ALVEOLAR HYPOVENTILATION AND MENTAL DEPRESSION. Identifiers: Orphanet 178509, MedGen C1868594, MONDO:0008201, OMIM 168605.
Neuronopathy, distal hereditary motor, type 7B. Also called: HMN VIIB; LOWER MOTOR NEURON DISEASE, DYNACTIN TYPE; NEUROPATHY, DISTAL HEREDITARY MOTOR, HARDING TYPE VIIB; NEUROPATHY, DISTAL HEREDITARY MOTOR, WITH VOCAL CORD PARALYSIS, HARDING TYPE VIIB; NEURONOPATHY, DISTAL HEREDITARY MOTOR, AUTOSOMAL DOMINANT 14; NEURONOPATHY, DISTAL HEREDITARY MOTOR, HARDING TYPE VIIB. Identifiers: Orphanet 139589, MedGen C1843315, MONDO:0011879, OMIM 607641.

Allele frequency attached by ClinVar (database versions not stated): ESP Exome Variant Server 0.00008; TOPMed 0.00018.
gnomAD v4.1: 107 of 1,614,018 alleles (0.0066%); highest among the groups gnomAD compares: South Asian, 0.064%; no homozygotes.

Submissions (7):

Labcorp Genetics (formerly Invitae), Labcorp
Classification: Likely benign for Amyotrophic lateral sclerosis type 1; Neuronopathy, distal hereditary motor, type 7B; Perry syndrome. Last evaluated: 2025-04-14. Review status: criteria provided, single submitter. Criteria: Invitae Variant Classification Sherloc (09022015). Collection method: clinical testing. Allele origin: germline.

Blueprint Genetics
Classification: Likely benign. Last evaluated: 2024-06-26. Review status: criteria provided, single submitter. Criteria: ACMG Guidelines, 2015. Collection method: clinical testing. Allele origin: germline.

Department of Neurology, Xijing Hospital, Fourth Military Medical University
Classification: Uncertain significance for Perry syndrome. Last evaluated: 2022-03-01. Review status: criteria provided, single submitter. Criteria: ACMG Guidelines, 2015. Collection method: clinical testing. Allele origin: germline.

Ambry Genetics
Classification: Likely benign for Inborn genetic diseases. Last evaluated: 2020-06-23. Review status: criteria provided, single submitter. Criteria: Ambry Variant Classification Scheme 2023. Collection method: clinical testing. Allele origin: germline.

Illumina Laboratory Services, Illumina
Classification: Benign for Neuronopathy, distal hereditary motor, type 7B. Last evaluated: 2018-01-12. Review status: criteria provided, single submitter. Criteria: ICSL Variant Classification Criteria 13 December 2019. Collection method: clinical testing. Allele origin: germline.
Comment: This variant was observed in the ICSL laboratory as part of a predisposition screen in an ostensibly healthy population. It had not been previously curated by ICSL or reported in the Human Gene Mutation Database (HGMD: prior to June 1st, 2018), and was therefore a candidate for classification through an automated scoring system. Utilizing variant allele frequency, disease prevalence and penetrance estimates, and inheritance mode, an automated score was calculated to assess if this variant is too frequent to cause the disease. Based on the score and internal cut-off values, a variant classified as benign is not then subjected to further curation. The score for this variant resulted in a classification of benign for this disease.

Illumina Laboratory Services, Illumina
Classification: Benign for Perry syndrome. Last evaluated: 2018-01-12. Review status: criteria provided, single submitter. Criteria: ICSL Variant Classification Criteria 13 December 2019. Collection method: clinical testing. Allele origin: germline.
Comment: the same text as in the submission from Illumina Laboratory Services, Illumina above.

PreventionGenetics, part of Exact Sciences
Classification: Uncertain significance for DCTN1-related condition. Last evaluated: 2024-07-31. Review status: no assertion criteria provided. Collection method: clinical testing. Allele origin: germline. Not counted in ClinVar's aggregate classification.
Comment: The DCTN1 c.3799G>C variant is predicted to result in the amino acid substitution p.Glu1267Gln. To our knowledge, this variant has not been reported in the literature. This variant is reported in 0.059% of alleles in individuals of South Asian descent in gnomAD. Although we suspect that this variant may be benign, at this time, the clinical significance of this variant is uncertain due to the absence of conclusive functional and genetic evidence.